The following is an entry in ClinVar:

NM_006767.4(LZTR1):c.780C>A (p.Phe260Leu)

Gene: LZTR1 (leucine zipper like post translational regulator 1; plus strand). Cytogenetic location: 22q11.21.
Variant type: single nucleotide variant.
Coding change: c.780C>A on transcript NM_006767.4 (MANE Select); coding-DNA position 780, C replaced by A.
Protein change: p.Phe260Leu; replaces phenylalanine 260 with leucine.
Molecular consequence: missense variant.
Genome position (GRCh38, 1-based): chr22:20,990,514, C>A. VCF-style: chr22-20990514-C-A. GRCh37 (hg19) VCF-style: chr22-21344803-C-A.
Other names: short protein forms F260L.
Identifiers: ClinVar variation 3238341 (VCV003238341.1), dbSNP rs1272024102.

ClinVar aggregate classification (germline): Uncertain significance (1 of 4 stars; one submission).

Conditions:
Hereditary cancer-predisposing syndrome. Also called: Neoplastic Syndromes, Hereditary; Tumor predisposition; Hereditary neoplastic syndrome; Hereditary Cancer Syndrome. Identifiers: Orphanet 140162, MedGen C0027672, MeSH D009386, MONDO:0015356.
Cardiovascular phenotype. Identifiers: MedGen CN230736.

Submission:

Ambry Genetics
Classification: Uncertain significance for Cardiovascular phenotype; Hereditary cancer-predisposing syndrome. Last evaluated: 2023-09-25. Review status: criteria provided, single submitter. Criteria: Ambry Variant Classification Scheme 2023. Collection method: clinical testing. Allele origin: germline.
Comment: The p.F260L variant (also known as c.780C>A), located in coding exon 8 of the LZTR1 gene, results from a C to A substitution at nucleotide position 780. The phenylalanine at codon 260 is replaced by leucine, an amino acid with highly similar properties. This amino acid position is conserved. In addition, the in silico prediction for this alteration is inconclusive. Since supporting evidence is limited at this time, the clinical significance of this alteration remains unclear.